The following is an entry in ClinVar:

ClinVar aggregate classification (germline): Uncertain significance. Review status: criteria provided, multiple submitters, no conflicts (2 of 4 stars). 2 submissions from 2 submitters: Uncertain significance (2). Last evaluated 2025-06-04.

Conditions:
Primary ciliary dyskinesia. Also called: Ciliary dyskinesia. Identifiers: Orphanet 244, MedGen C0008780, MONDO:0016575, HP:0012265.
Primary ciliary dyskinesia 6. Also called: Primary Ciliary Dyskinesia 6: TXNDC3-Related Primary Ciliary Dyskinesia. Identifiers: Orphanet 244, MedGen C1970506, MONDO:0012571, OMIM 610852.

Allele frequency attached by ClinVar (database versions not stated): gnomAD exomes below 0.00001; ExAC 0.00001.
gnomAD v4.1: 2 of 1,613,782 alleles (0.00012%); highest among the groups gnomAD compares: East Asian, 0.0022%; no homozygotes.

Submissions (2):

Labcorp Genetics (formerly Invitae), Labcorp
Classification: Uncertain significance for Primary ciliary dyskinesia 6. Last evaluated: 2025-06-04. Review status: criteria provided, single submitter. Criteria: Invitae Variant Classification Sherloc (09022015). Collection method: clinical testing. Allele origin: germline.
Comment: This sequence change replaces alanine, which is neutral and non-polar, with valine, which is neutral and non-polar, at codon 530 of the NME8 protein (p.Ala530Val). This variant is present in population databases (rs372034141, gnomAD 0.006%). This variant has not been reported in the literature in individuals affected with NME8-related conditions. ClinVar contains an entry for this variant (Variation ID: 2159050). Invitae Evidence Modeling of protein sequence and biophysical properties (such as structural, functional, and spatial information, amino acid conservation, physicochemical variation, residue mobility, and thermodynamic stability) indicates that this missense variant is not expected to disrupt NME8 protein function with a negative predictive value of 80%. In summary, the available evidence is currently insufficient to determine the role of this variant in disease. Therefore, it has been classified as a Variant of Uncertain Significance.

Ambry Genetics
Classification: Uncertain significance for Primary ciliary dyskinesia. Last evaluated: 2023-02-15. Review status: criteria provided, single submitter. Criteria: Ambry Variant Classification Scheme 2023. Collection method: clinical testing. Allele origin: germline.

NM_016616.5(NME8):c.1589C>T (p.Ala530Val)

Gene: NME8 (NME/NM23 family member 8; plus strand). Cytogenetic location: 7p14.1.
Variant type: single nucleotide variant.
Coding change: c.1589C>T on transcript NM_016616.5 (MANE Select); coding-DNA position 1589, C replaced by T.
Protein change: p.Ala530Val; replaces alanine 530 with valine.
Molecular consequence: missense variant.
Genome position (GRCh38, 1-based): chr7:37,896,914, C>T. VCF-style: chr7-37896914-C-T. GRCh37 (hg19) VCF-style: chr7-37936516-C-T.
Other names: c.1589C>T (NM_016616.4); short protein forms A530V.
Identifiers: ClinVar variation 2159050 (VCV002159050.6), dbSNP rs372034141, ClinGen allele CA4222575.